The following is an entry in ClinVar:

NM_144999.4(LRRC45):c.1238-8del

Gene: LRRC45 (leucine rich repeat containing 45; plus strand). Cytogenetic location: 17q25.3.
Variant type: Deletion.
Coding change: c.1238-8del on transcript NM_144999.4 (MANE Select); 8 bases into the intron before coding-DNA position 1238, one base deleted (G; older notation c.1238-8delG).
Molecular consequence: intron variant.
Genome position (GRCh38, 1-based): chr17:82,028,605, G deleted; the last of 3 consecutive G bases (chr17:82,028,603-82,028,605); deleting any one gives the same sequence. VCF-style (leftmost placement, unchanged base first): chr17-82028602-TG-T. GRCh37 (hg19) VCF-style: chr17-79986478-TG-T.
Identifiers: ClinVar variation 4994368 (VCV004994368.1).
Genomic context (GRCh38, chr17:82,028,602, plus strand): 5'-GGGGATGGGCACCGGGGGACGGGGGCCCCCAGGGGATGCTCACGCATACTCTGCCCACCC[TG>T]GGCTTCCAGAGCGCCTGGACATGGAGAAGAGAAGATGCAGACAGAGCCTGGAGGACTCCG-3'

ClinVar aggregate classification (germline): Likely benign (1 of 4 stars; one submission).

Conditions:
LRRC45-related disorder. Also called: LRRC45-related condition.

Submission:

PreventionGenetics, part of Exact Sciences
Classification: Likely benign for LRRC45-related condition. Last evaluated: 2025-10-21. Review status: criteria provided, single submitter. Criteria: ACMG Guidelines, 2015. Collection method: clinical testing. Allele origin: germline.
Comment: This variant is classified as likely benign based on ACMG/AMP sequence variant interpretation guidelines (Richards et al. 2015 PMID: 25741868, with internal and published modifications).